The following is an entry in ClinVar:

ClinVar aggregate classification (germline): Uncertain significance (1 of 4 stars; one submission).

gnomAD v4.1: 4 of 1,609,858 alleles (0.00025%); highest among the groups gnomAD compares: East Asian, 0.0022%; no homozygotes.

Submission:

GeneDx
Classification: Uncertain significance. Last evaluated: 2026-04-14. Review status: criteria provided, single submitter. Criteria: GeneDx Variant Classification Process June 2021. Collection method: clinical testing. Allele origin: germline.
Comment: Not observed at significant frequency in large population cohorts (gnomAD); In silico analysis supports that this missense variant has a deleterious effect on protein structure/function; Has not been previously published as pathogenic or benign to our knowledge

NM_001374353.1(GLI2):c.442C>T (p.Leu148Phe)

Gene: GLI2 (GLI family zinc finger 2; plus strand). Cytogenetic location: 2q14.2.
Variant type: single nucleotide variant.
Coding change: c.442C>T on transcript NM_001374353.1 (MANE Select); coding-DNA position 442, C replaced by T.
Protein change: p.Leu148Phe; replaces leucine 148 with phenylalanine.
Molecular consequence: missense variant.
Genome position (GRCh38, 1-based): chr2:120,951,430, C>T. VCF-style: chr2-120951430-C-T. GRCh37 (hg19) VCF-style: chr2-121709006-C-T.
Other names: c.442C>T, p.Leu148Phe (NM_001371271.1, NM_005270.5); c.67C>T, p.Leu23Phe (NM_001374354.1); short protein forms L148F, L23F.
Identifiers: ClinVar variation 5037184 (VCV005037184.1).
Genomic context (GRCh38, chr2:120,951,430, plus strand): 5'-CACTACCTCCGTTCTGTGCACAGCAGCCCCACGCTCTCCATGATCTCTGCAGCCAGGGGC[C>T]TCAGCCCCGCTGATGGTGAGTAGGGTGTGGGGATGGGGAGGGGCAGCTAGGGCACTGGGG-3'
Protein context (NP_001361282.1, residues 138-158): TLSMISAARG[Leu148Phe]SPADVAQEHL